The following is an entry in ClinVar:

ClinVar aggregate classification (germline): Likely pathogenic (1 of 4 stars; one submission).

Submission:

GeneDx
Classification: Likely pathogenic. Last evaluated: 2017-10-13. Review status: criteria provided, single submitter. Criteria: GeneDx Variant Classification (06012015). Collection method: clinical testing. Allele origin: germline. Affected: yes.
Comment: A variant that is likely pathogenic has been identified in the SCN1A gene. The F1765C variant has not been published as a pathogenic variant, nor has it been reported as a benign variant to our knowledge. The F1765C variant is not observed in large population cohorts (Lek et al., 2016). The F1765C variant is a non-conservative amino acid substitution, which is likely to impact secondary protein structure as these residues differ in polarity, charge, size and/or other properties. This substitution alters a conserved position predicted to be within the transmembrane segment S6 of the fourth homologous domain, and in silico analysis predicts this variant is probably damaging to the protein structure/function. A different missense variant at the same position (F1765L) has been reported in an individual with partial epilepsy with antecedent febrile seizures (Liao et al., 2010). Therefore, this variant is likely pathogenic; however, the possibility that it is benign cannot be excluded.

NM_001165963.4(SCN1A):c.5294T>G (p.Phe1765Cys)

Genes: SCN1A (sodium voltage-gated channel alpha subunit 1; minus strand), LOC102724058 (uncharacterized LOC102724058; plus strand). Cytogenetic location: 2q24.3.
Variant type: single nucleotide variant.
Coding change: c.5294T>G on transcript NM_001165963.4 (MANE Select); coding-DNA position 5294, T replaced by G.
Protein change: p.Phe1765Cys; replaces phenylalanine 1765 with cysteine.
Molecular consequence: missense variant. On other transcripts: non-coding transcript variant (1).
Genome position (GRCh38, 1-based): chr2:165,991,981, A>C on the plus strand (T>G on the coding strand, the complement: SCN1A is on the minus strand). VCF-style: chr2-165991981-A-C. GRCh37 (hg19) VCF-style: chr2-166848491-A-C.
Other names: c.5258T>G, p.Phe1753Cys (NM_001353955.2, NM_001353954.2); c.5210T>G, p.Phe1737Cys (NM_001353957.2, NM_001353958.2, NM_001165964.3); c.5207T>G, p.Phe1736Cys (NM_001353960.2); c.2852T>G, p.Phe951Cys (NM_001353961.2); c.5261T>G, p.Phe1754Cys (NM_006920.6, NM_001353949.2, NM_001353950.2 and 2 more transcripts); c.5294T>G, p.Phe1765Cys (NM_001202435.3, NM_001353948.2); short protein forms F1754C, F1765C, F1753C, F1736C, F951C, F1737C.
Identifiers: ClinVar variation 452613 (VCV000452613.2), dbSNP rs1553520199, ClinGen allele CA349068259.